The following is an entry in ClinVar:

NM_001252024.2(TRPM1):c.1171G>A (p.Val391Ile)

Gene: TRPM1 (transient receptor potential cation channel subfamily M member 1; minus strand). Cytogenetic location: 15q13.3.
Variant type: single nucleotide variant.
Coding change: c.1171G>A on transcript NM_001252024.2 (MANE Select); coding-DNA position 1171, G replaced by A.
Protein change: p.Val391Ile; replaces valine 391 with isoleucine.
Molecular consequence: missense variant.
Genome position (GRCh38, 1-based): chr15:31,060,636, C>T on the plus strand (G>A on the coding strand, the complement: TRPM1 is on the minus strand). VCF-style: chr15-31060636-C-T. GRCh37 (hg19) VCF-style: chr15-31352839-C-T.
Other names: c.1222G>A (NM_001252020.1); c.1222G>A, p.Val408Ile (NM_001252020.2); c.1105G>A, p.Val369Ile (NM_002420.6); c.1105G>A (NM_002420.4); short protein forms V369I, V391I, V408I.
Identifiers: ClinVar variation 1011546 (VCV001011546.9), dbSNP rs368644281, ClinGen allele CA7452654.

ClinVar aggregate classification (germline): Uncertain significance. Review status: criteria provided, multiple submitters, no conflicts (2 of 4 stars). 4 submissions from 4 submitters: Uncertain significance (4). Last evaluated 2025-10-15.

Conditions:
TRPM1-related disorder. Also called: TRPM1-related condition.
Inborn genetic diseases. Identifiers: MedGen C0950123, MeSH D030342.

Allele frequency attached by ClinVar (database versions not stated): gnomAD 0.00004 and 0.00005; TOPMed 0.00004; gnomAD exomes 0.00006; ExAC 0.00007; 1000 Genomes Project 30x 0.00016; 1000 Genomes Project 0.00020; ESP Exome Variant Server 0.00024.
gnomAD v4.1: 295 of 1,614,000 alleles (0.018%); highest among the groups gnomAD compares: Non-Finnish European, 0.024%; no homozygotes.

Submissions (4):

PreventionGenetics, part of Exact Sciences
Classification: Uncertain significance for TRPM1-related condition. Last evaluated: 2025-10-15. Review status: criteria provided, single submitter. Criteria: ACMG Guidelines, 2015. Collection method: clinical testing. Allele origin: germline.
Comment: The TRPM1 c.1222G>A variant is predicted to result in the amino acid substitution p.Val408Ile. To our knowledge, this variant has not been reported in the literature. This variant is present in 0.026% of alleles in individuals of East Asian descent in gnomAD. At this time, the clinical significance of this variant is uncertain due to the absence of conclusive functional and genetic evidence.

Blueprint Genetics
Classification: Uncertain significance. Last evaluated: 2023-09-29. Review status: criteria provided, single submitter. Criteria: ACMG Guidelines, 2015. Collection method: clinical testing. Allele origin: germline.

Ambry Genetics
Classification: Uncertain significance for Inborn genetic diseases. Last evaluated: 2023-09-22. Review status: criteria provided, single submitter. Criteria: Ambry Variant Classification Scheme 2023. Collection method: clinical testing. Allele origin: germline.

Labcorp Genetics (formerly Invitae), Labcorp
Classification: Uncertain significance. Last evaluated: 2022-06-07. Review status: criteria provided, single submitter. Criteria: Invitae Variant Classification Sherloc (09022015). Collection method: clinical testing. Allele origin: germline.
Comment: This sequence change replaces valine, which is neutral and non-polar, with isoleucine, which is neutral and non-polar, at codon 369 of the TRPM1 protein (p.Val369Ile). This variant is present in population databases (rs368644281, gnomAD 0.03%). This variant has not been reported in the literature in individuals affected with TRPM1-related conditions. ClinVar contains an entry for this variant (Variation ID: 1011546). Algorithms developed to predict the effect of missense changes on protein structure and function (SIFT, PolyPhen-2, Align-GVGD) all suggest that this variant is likely to be tolerated. In summary, the available evidence is currently insufficient to determine the role of this variant in disease. Therefore, it has been classified as a Variant of Uncertain Significance.